The following is an entry in ClinVar:

ClinVar aggregate classification (germline): Uncertain significance (1 of 4 stars; one submission).

Conditions:
Tyrosinemia type I (TYRSN1). Also called: Tyrosinemia type 1; Fumarylacetoacetase deficiency; Deficiency of fumarylacetoacetase; FAH DEFICIENCY; HEPATORENAL TYROSINEMIA. Identifiers: Orphanet 882, MedGen C0268490, MONDO:0010161, OMIM 276700. Disease mechanism: loss of function.

gnomAD v4.1: 1 of 1,610,942 alleles (0.000062%); highest among the groups gnomAD compares: Middle Eastern, 0.016%; no homozygotes.

Submission:

Neuberg Centre For Genomic Medicine, NCGM
Classification: Uncertain significance for Tyrosinemia type I. Review status: criteria provided, single submitter. Criteria: ACMG Guidelines, 2015. Collection method: clinical testing. Allele origin: germline. Inheritance: Autosomal recessive inheritance. Affected: yes.
Comment: The missense variant c.1001C>T (p.Ser334Phe) in FAH gene has not been reported previously as a pathogenic variant nor as a benign variant, to our knowledge. The amino acid Ser at position 334 is changed to a Phe changing protein sequence and it might alter its composition and physico-chemical properties. The variant is predicted to be damaging by both SIFT and PolyPhen2. The residue is conserved across species. The amino acid change p.Ser334Phe in FAH is predicted as conserved by GERP++ and PhyloP across 100 vertebrates. The p.Ser334Phe variant is novel (not in any individuals) in gnomAD and 1000 Genomes. For these reasons, this variant has been classified as Uncertain Significance .

NM_000137.4(FAH):c.1001C>T (p.Ser334Phe)

Gene: FAH (fumarylacetoacetate hydrolase; plus strand). Cytogenetic location: 15q25.1.
Variant type: single nucleotide variant.
Coding change: c.1001C>T on transcript NM_000137.4 (MANE Select); coding-DNA position 1001, C replaced by T.
Protein change: p.Ser334Phe; replaces serine 334 with phenylalanine.
Molecular consequence: missense variant.
Genome position (GRCh38, 1-based): chr15:80,180,164, C>T. VCF-style: chr15-80180164-C-T. GRCh37 (hg19) VCF-style: chr15-80472506-C-T.
Other names: c.1001C>T, p.Ser334Phe (NM_001374377.1, NM_001374380.1); short protein forms S334F.
Identifiers: ClinVar variation 2585251 (VCV002585251.1), dbSNP rs762404387, ClinGen allele CA393621736.